The following is an entry in ClinVar:

ClinVar aggregate classification (germline): Benign/Likely benign. Review status: criteria provided, multiple submitters, no conflicts (2 of 4 stars). 3 submissions from 3 submitters: Benign (2); Likely benign (1). Last evaluated 2026-01-24.

Conditions:
Congenital microvillous atrophy (DIAR2). Also called: DAVIDSON DISEASE; MICROVILLUS ATROPHY, CONGENITAL; Microvillus inclusion disease; Diarrhea 2 with microvillus atrophy, with or without cholestasis; CONGENITAL FAMILIAL PROTRACTED DIARRHEA WITH ENTEROCYTE BRUSH-BORDER ABNORMALITIES. Identifiers: Orphanet 2290, MedGen C0341306, MONDO:0009635, OMIM 251850.

Allele frequency attached by ClinVar (database versions not stated): gnomAD 0.00011 and 0.00066; TOPMed 0.00016; ESP Exome Variant Server 0.00017; gnomAD exomes 0.00202; ExAC 0.00227; 1000 Genomes Project 30x 0.00547; 1000 Genomes Project 0.00619.
gnomAD v4.1: 1,639 of 1,613,992 alleles (0.1%); highest among the groups gnomAD compares: South Asian, 1.5%; 24 homozygotes.

Submissions (3):

Labcorp Genetics (formerly Invitae), Labcorp
Classification: Benign. Last evaluated: 2026-01-24. Review status: criteria provided, single submitter. Criteria: Invitae Variant Classification Sherloc (09022015). Collection method: clinical testing. Allele origin: germline.

Institute of Human Genetics, University of Leipzig Medical Center
Classification: Likely benign for Congenital microvillous atrophy. Last evaluated: 2019-01-01. Review status: criteria provided, single submitter. Criteria: ACMG Guidelines, 2015. Collection method: clinical testing. Allele origin: unknown. Affected: yes.

Illumina Laboratory Services, Illumina
Classification: Benign for Congenital microvillous atrophy. Last evaluated: 2018-01-13. Review status: criteria provided, single submitter. Criteria: ICSL Variant Classification Criteria 13 December 2019. Collection method: clinical testing. Allele origin: germline.
Comment: This variant was observed in the ICSL laboratory as part of a predisposition screen in an ostensibly healthy population. It had not been previously curated by ICSL or reported in the Human Gene Mutation Database (HGMD: prior to June 1st, 2018), and was therefore a candidate for classification through an automated scoring system. Utilizing variant allele frequency, disease prevalence and penetrance estimates, and inheritance mode, an automated score was calculated to assess if this variant is too frequent to cause the disease. Based on the score and internal cut-off values, a variant classified as benign is not then subjected to further curation. The score for this variant resulted in a classification of benign for this disease.

NM_001080467.3(MYO5B):c.2228G>A (p.Arg743His)

Gene: MYO5B (myosin VB; minus strand). Cytogenetic location: 18q21.1.
Variant type: single nucleotide variant.
Coding change: c.2228G>A on transcript NM_001080467.3 (MANE Select); coding-DNA position 2228, G replaced by A.
Protein change: p.Arg743His; replaces arginine 743 with histidine.
Molecular consequence: missense variant.
Genome position (GRCh38, 1-based): chr18:49,906,605, C>T on the plus strand (G>A on the coding strand, the complement: MYO5B is on the minus strand). VCF-style: chr18-49906605-C-T. GRCh37 (hg19) VCF-style: chr18-47432975-C-T.
Other names: short protein forms R743H.
Identifiers: ClinVar variation 327048 (VCV000327048.15), dbSNP rs368212890, ClinGen allele CA8961150.